The following is an entry in ClinVar:

NM_000368.5(TSC1):c.571C>G (p.Leu191Val)

Gene: TSC1 (TSC complex subunit 1; minus strand). Cytogenetic location: 9q34.13.
Variant type: single nucleotide variant.
Coding change: c.571C>G on transcript NM_000368.5 (MANE Select); coding-DNA position 571, C replaced by G.
Protein change: p.Leu191Val; replaces leucine 191 with valine.
Molecular consequence: missense variant. On other transcripts: 5 prime UTR variant (5), non-coding transcript variant (5).
Genome position (GRCh38, 1-based): chr9:132,921,911, G>C on the plus strand (C>G on the coding strand, the complement: TSC1 is on the minus strand). VCF-style: chr9-132921911-G-C. GRCh37 (hg19) VCF-style: chr9-135797298-G-C.
Other names: c.571C>G, p.Leu191Val (NM_001162426.2, NM_001406592.1, NM_001406593.1 and 16 more transcripts); c.418C>G, p.Leu140Val (NM_001162427.2, NM_001406610.1, NM_001406611.1 and 2 more transcripts); c.208C>G, p.Leu70Val (NM_001362177.2, NM_001406614.1, NM_001406615.1 and 10 more transcripts); c.-307C>G (NM_001406626.1, NM_001406627.1, NM_001406628.1); c.-449C>G (NM_001406629.1); c.-523C>G (NM_001406630.1); short protein forms L140V, L191V, L70V.
Identifiers: ClinVar variation 3074489 (VCV003074489.1), dbSNP rs1846585825, ClinGen allele CA375372669.

ClinVar aggregate classification (germline): Uncertain significance (1 of 4 stars; one submission).

Conditions:
Tuberous sclerosis syndrome (TSC). Also called: Tuberous Sclerosis Complex; Tuberous sclerosis. Identifiers: Orphanet 805, MedGen C0041341, MONDO:0001734.

Submission:

All of Us Research Program, National Institutes of Health
Classification: Uncertain significance for Tuberous sclerosis syndrome. Last evaluated: 2023-11-20. Review status: criteria provided, single submitter. Criteria: ACMG Guidelines, 2015. Collection method: clinical testing. Allele origin: germline. Inheritance: Autosomal dominant inheritance. Observed: 1 variant allele, 1 heterozygote.
Comment: This missense variant replaces leucine with valine at codon 191 of the TSC1 protein. Computational prediction suggests that this variant may have deleterious impact on protein structure and function (internally defined REVEL score threshold >= 0.7, PMID: 27666373). To our knowledge, functional studies have not been reported for this variant. This variant has not been reported in individuals affected with TSC1-related disorders in the literature. This variant has not been identified in the general population by the Genome Aggregation Database (gnomAD). The available evidence is insufficient to determine the role of this variant in disease conclusively. Therefore, this variant is classified as a Variant of Uncertain Significance.

This study involves interpretation of variants in research participants for the purpose of population health screening. Participant phenotype was not available at the time of variant classification. Additional details can be found in publication PMID: 35346344, PMCID: PMC8962531